The following is an entry in ClinVar:

NM_002474.3(MYH11):c.3763A>G (p.Lys1255Glu)

Gene: MYH11 (myosin heavy chain 11; minus strand). Cytogenetic location: 16p13.11.
Variant type: single nucleotide variant.
Coding change: c.3763A>G on transcript NM_002474.3 (MANE Select); coding-DNA position 3763, A replaced by G.
Protein change: p.Lys1255Glu; replaces lysine 1255 with glutamic acid.
Molecular consequence: missense variant.
Genome position (GRCh38, 1-based): chr16:15,726,943, T>C on the plus strand (A>G on the coding strand, the complement: MYH11 is on the minus strand). VCF-style: chr16-15726943-T-C. GRCh37 (hg19) VCF-style: chr16-15820800-T-C.
Other names: c.3784A>G, p.Lys1262Glu (NM_001040113.2, NM_001040114.2); c.3763A>G, p.Lys1255Glu (NM_022844.3); short protein forms K1255E, K1262E.
Identifiers: ClinVar variation 3894315 (VCV003894315.1).
Genomic context (GRCh38, chr16:15,726,943, plus strand): 5'-GGGCCCGCTCCCCATCGCTGCACTTGGACTGCAGCTCCTGCACCTGCGCCTCCAGCTTCT[T>C]CTTCTTATGTTCCACCTCCTGCTTGGCCTGGCCCAGGACCCGCAGCTCCCCGGCCAGGTC-3'
Protein context (NP_002465.1, residues 1245-1265): QAKQEVEHKK[Lys1255Glu]KLEAQVQELQ

ClinVar aggregate classification (germline): Uncertain significance (1 of 4 stars; one submission).

Conditions:
Familial thoracic aortic aneurysm and aortic dissection (TAAD). Also called: Thoracic aortic aneurysms and dissections. Identifiers: Orphanet 91387, MedGen C4707243, MONDO:0019625.

gnomAD v4.1: 4 of 1,613,366 alleles (0.00025%); highest among the groups gnomAD compares: South Asian, 0.0044%; no homozygotes.

Submission:

Color Diagnostics, LLC DBA Color Health
Classification: Uncertain significance for Familial thoracic aortic aneurysm and aortic dissection. Last evaluated: 2024-03-17. Review status: criteria provided, single submitter. Criteria: ACMG Guidelines, 2015. Collection method: clinical testing. Allele origin: germline.
Comment: This missense variant replaces lysine with glutamic acid at codon 1262 of the MYH11 protein. Computational prediction tools indicate that this variant has a deleterious impact on protein structure and function. To our knowledge, functional studies have not been reported for this variant. This variant has been reported in one individual affected with bicuspid aortic valve-associated thoracic aortic aneurysm (PMID: 28659821). This variant has been identified in 1/251084 chromosomes in the general population by the Genome Aggregation Database (gnomAD). The available evidence is insufficient to determine the role of this variant in disease conclusively. Therefore, this variant is classified as a Variant of Uncertain Significance.

Literature cited by the submitters: PubMed 28659821.